The following is an entry in ClinVar:

NM_004304.5(ALK):c.830C>A (p.Ser277Tyr)

Gene: ALK (ALK receptor tyrosine kinase; minus strand). Cytogenetic location: 2p23.2.
Variant type: single nucleotide variant.
Coding change: c.830C>A on transcript NM_004304.5 (MANE Select); coding-DNA position 830, C replaced by A.
Protein change: p.Ser277Tyr; replaces serine 277 with tyrosine.
Molecular consequence: missense variant.
Genome position (GRCh38, 1-based): chr2:29,694,972, G>T on the plus strand (C>A on the coding strand, the complement: ALK is on the minus strand). VCF-style: chr2-29694972-G-T. GRCh37 (hg19) VCF-style: chr2-29917838-G-T.
Other names: short protein forms S277Y.
Identifiers: ClinVar variation 538217 (VCV000538217.8), dbSNP rs1486167712, ClinGen allele CA346587053.

ClinVar aggregate classification (germline): Uncertain significance (1 of 4 stars; one submission).

Conditions:
Neuroblastoma, susceptibility to, 3. Also called: ALK-Related Neuroblastic Tumor Susceptibility. Identifiers: Orphanet 635, MedGen C2751681, MONDO:0013083, OMIM 613014.

Submission:

Labcorp Genetics (formerly Invitae), Labcorp
Classification: Uncertain significance for Neuroblastoma, susceptibility to, 3. Last evaluated: 2017-11-27. Review status: criteria provided, single submitter. Criteria: Invitae Variant Classification Sherloc (09022015). Collection method: clinical testing. Allele origin: germline.
Comment: This sequence change replaces serine with tyrosine at codon 277 of the ALK protein (p.Ser277Tyr). The serine residue is moderately conserved and there is a large physicochemical difference between serine and tyrosine. This variant is not present in population databases (ExAC no frequency). This variant has not been reported in the literature in individuals with ALK-related disease. Algorithms developed to predict the effect of missense changes on protein structure and function do not agree on the potential impact of this missense change (SIFT: "Deleterious"; PolyPhen-2: "Benign"; Align-GVGD: "Class C0"). In summary, the available evidence is currently insufficient to determine the role of this variant in disease. Therefore, it has been classified as a Variant of Uncertain Significance.